The following is an entry in ClinVar:

ClinVar aggregate classification (germline): Likely benign (1 of 4 stars; one submission).

gnomAD v4.1: 52 of 1,600,018 alleles (0.0032%); highest among the groups gnomAD compares: East Asian, 0.0045%; no homozygotes.

Submission:

Mayo Clinic Laboratories, Mayo Clinic
Classification: Likely benign. Last evaluated: 2025-10-06. Review status: criteria provided, single submitter. Criteria: ACMG Guidelines, 2015. Collection method: clinical testing. Allele origin: germline. Observed: 1 variant allele.
Comment: BP4, BP7

NM_003283.6(TNNT1):c.*8G>A

Gene: TNNT1 (troponin T1, slow skeletal type; minus strand). Cytogenetic location: 19q13.42.
Variant type: single nucleotide variant.
Coding change: c.*8G>A on transcript NM_003283.6 (MANE Select); 8 bases downstream of the stop codon, G replaced by A.
Molecular consequence: 3 prime UTR variant.
Genome position (GRCh38, 1-based): chr19:55,132,907, C>T on the plus strand (G>A on the coding strand, the complement: TNNT1 is on the minus strand). VCF-style: chr19-55132907-C-T. GRCh37 (hg19) VCF-style: chr19-55644275-C-T.
Other names: c.*8G>A (NM_001126132.3, NM_001126133.3, NM_001291774.2).
Identifiers: ClinVar variation 4684401 (VCV004684401.1).